The following is an entry in ClinVar:

NM_018896.5(CACNA1G):c.6769C>T (p.Arg2257Trp)

Gene: CACNA1G (calcium voltage-gated channel subunit alpha1 G; plus strand). Cytogenetic location: 17q21.33.
Variant type: single nucleotide variant.
Coding change: c.6769C>T on transcript NM_018896.5 (MANE Select); coding-DNA position 6769, C replaced by T.
Protein change: p.Arg2257Trp; replaces arginine 2257 with tryptophan.
Molecular consequence: missense variant. On other transcripts: non-coding transcript variant (5).
Genome position (GRCh38, 1-based): chr17:50,626,386, C>T. VCF-style: chr17-50626386-C-T. GRCh37 (hg19) VCF-style: chr17-48703747-C-T.
Other names: c.6769C>T (NM_018896.4); c.6580C>T, p.Arg2194Trp (NM_001256324.2); c.6511C>T, p.Arg2171Trp (NM_001256325.2); c.6499C>T, p.Arg2167Trp (NM_001256326.2); c.6469C>T, p.Arg2157Trp (NM_001256327.2); c.6415C>T, p.Arg2139Trp (NM_001256328.2); c.6388C>T, p.Arg2130Trp (NM_001256329.2, NM_198387.3); c.6355C>T, p.Arg2119Trp (NM_001256330.2); and 19 more; short protein forms R2051W, R2074W, R2085W, R2107W, R2112W, R2119W, R2123W, R2126W.
Identifiers: ClinVar variation 1213778 (VCV001213778.4), dbSNP rs1444290546, ClinGen allele CA400238484.

ClinVar aggregate classification (germline): Conflicting classifications of pathogenicity. Review status: criteria provided, conflicting classifications (1 of 4 stars). 3 submissions from 3 submitters: Uncertain significance (2); Likely benign (1). Last evaluated 2024-03-20.

Conditions:
Spinocerebellar ataxia 42, early-onset, severe, with neurodevelopmental deficits. Identifiers: MedGen C4748120, MONDO:0060758, OMIM 618087.

Allele frequency attached by ClinVar (database versions not stated): gnomAD exomes below 0.00001; gnomAD 0.00001 and 0.00002.
gnomAD v4.1: 15 of 1,611,804 alleles (0.00093%); highest among the groups gnomAD compares: South Asian, 0.0055%; no homozygotes.

Submissions (3):

Labcorp Genetics (formerly Invitae), Labcorp
Classification: Likely benign. Last evaluated: 2024-03-20. Review status: criteria provided, single submitter. Criteria: Invitae Variant Classification Sherloc (09022015). Collection method: clinical testing. Allele origin: germline.

GeneDx
Classification: Uncertain significance. Last evaluated: 2022-07-01. Review status: criteria provided, single submitter. Criteria: GeneDx Variant Classification Process June 2021. Collection method: clinical testing. Allele origin: germline. Affected: yes.
Comment: Not observed at significant frequency in large population cohorts (gnomAD); In silico analysis supports that this missense variant has a deleterious effect on protein structure/function; Has not been previously published as pathogenic or benign to our knowledge

New York Genome Center
Classification: Uncertain significance for Spinocerebellar ataxia 42, early-onset, severe, with neurodevelopmental deficits. Last evaluated: 2020-07-24. Review status: criteria provided, single submitter. Criteria: NYGC Assertion Criteria 2020. Collection method: clinical testing. Allele origin: inherited. Observed: 1 heterozygote. Study: CSER-NYCKidSeq.